The following is an entry in ClinVar:

ClinVar aggregate classification (germline): Uncertain significance. Review status: criteria provided, multiple submitters, no conflicts (2 of 4 stars). 2 submissions from 2 submitters: Uncertain significance (2). Last evaluated 2024-05-12.

Conditions:
Fanconi anemia complementation group P. Also called: SLX4-Related Fanconi Anemia. Identifiers: Orphanet 84, MedGen C3469542, MONDO:0013499, OMIM 613951.
Fanconi anemia (FA). Also called: Fanconi's anemia. Identifiers: Orphanet 84, MedGen C0015625, MeSH D005199, MONDO:0019391.

Allele frequency attached by ClinVar (database versions not stated): gnomAD 0.00001; gnomAD exomes 0.00001; ExAC 0.00004; 1000 Genomes Project 0.00020; 1000 Genomes Project 30x 0.00031.
gnomAD v4.1: 1 of 1,597,196 alleles (0.000063%); highest among the groups gnomAD compares: South Asian, 0.0011%; no homozygotes.

Submissions (2):

Fulgent Genetics
Classification: Uncertain significance for Fanconi anemia complementation group P. Last evaluated: 2024-05-12. Review status: criteria provided, single submitter. Criteria: ACMG Guidelines, 2015. Collection method: clinical testing. Allele origin: germline.

Labcorp Genetics (formerly Invitae), Labcorp
Classification: Uncertain significance for Fanconi anemia. Last evaluated: 2021-01-08. Review status: criteria provided, single submitter. Criteria: Invitae Variant Classification Sherloc (09022015). Collection method: clinical testing. Allele origin: germline.
Comment: In summary, the available evidence is currently insufficient to determine the role of this variant in disease. Therefore, it has been classified as a Variant of Uncertain Significance. Algorithms developed to predict the effect of missense changes on protein structure and function output the following: SIFT: "Tolerated"; PolyPhen-2: "Benign"; Align-GVGD: "Class C0". The glutamic acid amino acid residue is found in multiple mammalian species, suggesting that this missense change does not adversely affect protein function. These predictions have not been confirmed by published functional studies and their clinical significance is uncertain. This variant has not been reported in the literature in individuals with SLX4-related conditions. This variant is present in population databases (rs551757021, ExAC 0.02%). This sequence change replaces valine with glutamic acid at codon 572 of the SLX4 protein (p.Val572Glu). The valine residue is weakly conserved and there is a moderate physicochemical difference between valine and glutamic acid.

NM_032444.4(SLX4):c.1715T>A (p.Val572Glu)

Gene: SLX4 (SLX4 structure-specific endonuclease subunit; minus strand). Cytogenetic location: 16p13.3.
Variant type: single nucleotide variant.
Coding change: c.1715T>A on transcript NM_032444.4 (MANE Select); coding-DNA position 1715, T replaced by A.
Protein change: p.Val572Glu; replaces valine 572 with glutamic acid.
Molecular consequence: missense variant.
Genome position (GRCh38, 1-based): chr16:3,596,362, A>T on the plus strand (T>A on the coding strand, the complement: SLX4 is on the minus strand). VCF-style: chr16-3596362-A-T. GRCh37 (hg19) VCF-style: chr16-3646363-A-T.
Other names: short protein forms V572E.
Identifiers: ClinVar variation 1402850 (VCV001402850.9), dbSNP rs551757021, ClinGen allele CA7866427.